The following is an entry in ClinVar:

NM_001042492.3(NF1):c.7762C>G (p.Gln2588Glu)

Gene: NF1 (neurofibromin 1; plus strand). Cytogenetic location: 17q11.2.
Variant type: single nucleotide variant.
Coding change: c.7762C>G on transcript NM_001042492.3 (MANE Select); coding-DNA position 7762, C replaced by G.
Protein change: p.Gln2588Glu; replaces glutamine 2588 with glutamic acid.
Molecular consequence: missense variant.
Genome position (GRCh38, 1-based): chr17:31,356,983, C>G. VCF-style: chr17-31356983-C-G. GRCh37 (hg19) VCF-style: chr17-29684001-C-G.
Other names: c.7699C>G, p.Gln2567Glu (NM_000267.4); short protein forms Q2567E, Q2588E.
Identifiers: ClinVar variation 1709686 (VCV001709686.4), dbSNP rs1555536687, ClinGen allele CA399018379.
Genomic context (GRCh38, chr17:31,356,983, plus strand): 5'-AGGTGTTTGATCACGTTAATTCCCTATCTTGCTGCAGAAACTCAGAGGATTTCCTCATCA[C>G]AACAGCACCCACATTTACGTAAAGTTTCAGTGTCTGAATCAAATGTTCTCTTGGATGAAG-3'
Protein context (NP_001035957.1, residues 2578-2598): EMETQRISSS[Gln2588Glu]QHPHLRKVSV

ClinVar aggregate classification (germline): Conflicting classifications of pathogenicity. Review status: criteria provided, conflicting classifications (1 of 4 stars). 2 submissions from 2 submitters: Uncertain significance (1); Likely benign (1). Last evaluated 2026-08-03.

Conditions:
Hereditary cancer-predisposing syndrome. Also called: Tumor predisposition; Hereditary neoplastic syndrome; Neoplastic Syndromes, Hereditary; Hereditary Cancer Syndrome. Identifiers: Orphanet 140162, MedGen C0027672, MeSH D009386, MONDO:0015356.
Cardiovascular phenotype. Identifiers: MedGen CN230736.
Neurofibromatosis, type 1 (NF1). Also called: NEUROFIBROMATOSIS, TYPE I, SOMATIC; Neurofibromatosis, type I; VON RECKLINGHAUSEN DISEASE; Peripheral type neurofibromatosis. Identifiers: Orphanet 636, MedGen C0027831, MONDO:0018975, OMIM 162200. Disease mechanism: loss of function.

Submissions (2):

Ambry Genetics
Classification: Likely benign for Cardiovascular phenotype; Hereditary cancer-predisposing syndrome. Last evaluated: 2026-08-03. Review status: criteria provided, single submitter. Criteria: Ambry Variant Classification Scheme 2023. Collection method: clinical testing. Allele origin: germline.

MGZ Medical Genetics Center
Classification: Uncertain significance for Neurofibromatosis, type 1. Last evaluated: 2022-07-25. Review status: criteria provided, single submitter. Criteria: ACMG Guidelines, 2015. Collection method: clinical testing. Allele origin: germline. Affected: yes. Observed: 1 variant allele.
Comment: ACMG criteria applied: PM2_SUP, BP4